The following is an entry in ClinVar:

ClinVar aggregate classification (germline): Uncertain significance (1 of 4 stars; one submission).

Conditions:
Arrhythmogenic cardiomyopathy with wooly hair and keratoderma. Also called: PALMOPLANTAR KERATODERMA WITH LEFT VENTRICULAR CARDIOMYOPATHY AND WOOLLY HAIR; Carvajal syndrome; Dilated cardiomyopathy with woolly hair and keratoderma; Arrhythmogenic cardiomyopathy with woolly hair and keratoderma. Identifiers: Orphanet 65282, MedGen C1854063, MONDO:0011581, OMIM 605676.

Submission:

All of Us Research Program, National Institutes of Health
Classification: Uncertain significance for Arrhythmogenic cardiomyopathy with wooly hair and keratoderma. Last evaluated: 2023-11-02. Review status: criteria provided, single submitter. Criteria: ACMG Guidelines, 2015. Collection method: clinical testing. Allele origin: germline. Inheritance: Autosomal dominant inheritance. Observed: 1 variant allele, 1 heterozygote.
Comment: This missense variant replaces glutamic acid with aspartic acid at codon 1369 of the DSP protein. Computational prediction suggests that this variant may not impact protein structure and function (internally defined REVEL score threshold <= 0.5, PMID: 27666373). To our knowledge, functional studies have not been reported for this variant. This variant has not been reported in individuals affected with cardiovascular disorders in the literature. This variant has not been identified in the general population by the Genome Aggregation Database (gnomAD). The available evidence is insufficient to determine the role of this variant in disease conclusively. Therefore, this variant is classified as a Variant of Uncertain Significance.

This study involves interpretation of variants in research participants for the purpose of population health screening. Participant phenotype was not available at the time of variant classification. Additional details can be found in publication PMID: 35346344, PMCID: PMC8962531

NM_004415.4(DSP):c.4107G>T (p.Glu1369Asp)

Gene: DSP (desmoplakin; plus strand). Cytogenetic location: 6p24.3.
Variant type: single nucleotide variant.
Coding change: c.4107G>T on transcript NM_004415.4 (MANE Select); coding-DNA position 4107, G replaced by T.
Protein change: p.Glu1369Asp; replaces glutamic acid 1369 with aspartic acid.
Molecular consequence: missense variant. On other transcripts: intron variant (2).
Genome position (GRCh38, 1-based): chr6:7,580,297, G>T. VCF-style: chr6-7580297-G-T. GRCh37 (hg19) VCF-style: chr6-7580530-G-T.
Other names: c.4050+57G>T (NM_001319034.2); c.3582+525G>T (NM_001008844.3); short protein forms E1369D.
Identifiers: ClinVar variation 3074400 (VCV003074400.1), dbSNP rs2533927450, ClinGen allele CA362685573.